The following is an entry in ClinVar:

NM_000245.4(MET):c.2364+1G>A

Gene: MET (MET proto-oncogene, receptor tyrosine kinase; plus strand). Cytogenetic location: 7q31.2.
Variant type: single nucleotide variant.
Coding change: c.2364+1G>A on transcript NM_000245.4 (MANE Select); the canonical splice donor site of the intron after coding-DNA position 2364, G replaced by A.
Molecular consequence: splice donor variant.
Genome position (GRCh38, 1-based): chr7:116,759,491, G>A. VCF-style: chr7-116759491-G-A. GRCh37 (hg19) VCF-style: chr7-116399545-G-A.
Other names: c.2418+1G>A (NM_001127500.3); c.1074+1G>A (NM_001324402.2); c.2364+1G>A (NM_001324401.3).
Identifiers: ClinVar variation 3641812 (VCV003641812.2).

ClinVar aggregate classification (germline): Uncertain significance (1 of 4 stars; one submission).

Conditions:
Renal cell carcinoma. Identifiers: Orphanet 217071, MedGen C0007134, MeSH D002292, MONDO:0005086, HP:0005584.

Submission:

Labcorp Genetics (formerly Invitae), Labcorp
Classification: Uncertain significance for Renal cell carcinoma. Last evaluated: 2024-02-18. Review status: criteria provided, single submitter. Criteria: Invitae Variant Classification Sherloc (09022015). Collection method: clinical testing. Allele origin: germline.
Comment: This sequence change affects a donor splice site in intron 10 of the MET gene. It is expected to disrupt RNA splicing. Variants that disrupt the donor or acceptor splice site typically lead to a loss of protein function (PMID: 16199547), however the current clinical and genetic evidence is not sufficient to establish whether loss-of-function variants in MET cause disease. This variant is not present in population databases (gnomAD no frequency). This variant has not been reported in the literature in individuals affected with MET-related conditions. In summary, the available evidence is currently insufficient to determine the role of this variant in disease. Therefore, it has been classified as a Variant of Uncertain Significance.

Literature cited by the submitters: PubMed 16199547.